The following is an entry in ClinVar:

ClinVar aggregate classification (germline): Pathogenic (1 of 4 stars; one submission).

Conditions:
Methylmalonic aciduria and homocystinuria type cblD (MAHCD). Also called: Methylmalonic aciduria with homocystinuria cblD type; METHYLMALONIC ACIDEMIA, cblH TYPE. Identifiers: Orphanet 622, Orphanet 79283, MedGen C1848552, MONDO:0010185, OMIM 277410.

Allele frequency attached by ClinVar (database versions not stated): gnomAD exomes below 0.00001; TOPMed below 0.00001; gnomAD 0.00001.
gnomAD v4.1: 2 of 1,613,704 alleles (0.00012%); highest among the groups gnomAD compares: Non-Finnish European, 0.00017%; no homozygotes.

Submission:

Labcorp Genetics (formerly Invitae), Labcorp
Classification: Pathogenic for Methylmalonic aciduria and homocystinuria type cblD. Last evaluated: 2023-06-01. Review status: criteria provided, single submitter. Criteria: Invitae Variant Classification Sherloc (09022015). Collection method: clinical testing. Allele origin: germline.
Comment: This sequence change creates a premature translational stop signal (p.Trp57*) in the MMADHC gene. It is expected to result in an absent or disrupted protein product. Loss-of-function variants in MMADHC are known to be pathogenic (PMID: 18385497). For these reasons, this variant has been classified as Pathogenic. This variant has not been reported in the literature in individuals affected with MMADHC-related conditions. This variant is not present in population databases (gnomAD no frequency).

Literature cited by the submitters: PubMed 18385497.

NM_015702.3(MMADHC):c.171G>A (p.Trp57Ter)

Gene: MMADHC (metabolism of cobalamin associated D; minus strand). Cytogenetic location: 2q23.2.
Variant type: single nucleotide variant.
Coding change: c.171G>A on transcript NM_015702.3 (MANE Select); coding-DNA position 171, G replaced by A.
Protein change: p.Trp57Ter; replaces tryptophan 57 with a stop codon.
Molecular consequence: nonsense.
Genome position (GRCh38, 1-based): chr2:149,579,632, C>T on the plus strand (G>A on the coding strand, the complement: MMADHC is on the minus strand). VCF-style: chr2-149579632-C-T. GRCh37 (hg19) VCF-style: chr2-150436146-C-T.
Other names: short protein forms W57*.
Identifiers: ClinVar variation 2779693 (VCV002779693.3), dbSNP rs1682767587, ClinGen allele CA348870921.